The following is an entry in ClinVar:

NM_001283009.2(RTEL1):c.2700G>A (p.Met900Ile)

Genes: RTEL1 (regulator of telomere elongation helicase 1; plus strand), RTEL1-TNFRSF6B (RTEL1-TNFRSF6B readthrough (NMD candidate); plus strand). Cytogenetic location: 20q13.33.
Variant type: single nucleotide variant.
Coding change: c.2700G>A on transcript NM_001283009.2 (MANE Select); coding-DNA position 2700, G replaced by A.
Protein change: p.Met900Ile; replaces methionine 900 with isoleucine.
Molecular consequence: missense variant. On other transcripts: non-coding transcript variant (1).
Genome position (GRCh38, 1-based): chr20:63,692,852, G>A. VCF-style: chr20-63692852-G-A. GRCh37 (hg19) VCF-style: chr20-62324205-G-A.
Other names: c.2031G>A, p.Met677Ile (NM_001283010.1); c.2700G>A, p.Met900Ile (NM_016434.4); c.2772G>A, p.Met924Ile (NM_032957.5); short protein forms M677I, M900I, M924I.
Identifiers: ClinVar variation 1692622 (VCV001692622.18), dbSNP rs2145445906, ClinGen allele CA409682864.
Genomic context (GRCh38, chr20:63,692,852, plus strand): 5'-CTGTGTCCTGCAGGAGGAGCCCGTGGCTGGTGCACAGACGGACAGGGCCAAGCTCTTCAT[G>A]GTGGCCGTGAAGCAGGAGTTGAGCCAAGCCAACTTTGCCACCTTCACCCAGGCCCTGCAG-3'
Protein context (NP_001269938.1, residues 890-910): GAQTDRAKLF[Met900Ile]VAVKQELSQA

ClinVar aggregate classification (germline): Uncertain significance. Review status: criteria provided, multiple submitters, no conflicts (2 of 4 stars). 3 submissions from 3 submitters: Uncertain significance (3). Last evaluated 2025-05-28.

Conditions:
Dyskeratosis congenita. Identifiers: Orphanet 1775, MedGen C0265965, MONDO:0015780.
Inborn genetic diseases. Identifiers: MedGen C0950123, MeSH D030342.

Submissions (3):

Ambry Genetics
Classification: Uncertain significance for Inborn genetic diseases. Last evaluated: 2025-05-28. Review status: criteria provided, single submitter. Criteria: Ambry Variant Classification Scheme 2023. Collection method: clinical testing. Allele origin: germline.
Comment: The p.M900I variant (also known as c.2700G>A), located in coding exon 28 of the RTEL1 gene, results from a G to A substitution at nucleotide position 2700. The methionine at codon 900 is replaced by isoleucine, an amino acid with highly similar properties. This amino acid position is conserved. In addition, this alteration is predicted to be tolerated by in silico analysis. Based on the available evidence, the clinical significance of this variant remains unclear.

CeGaT Center for Human Genetics Tuebingen
Classification: Uncertain significance. Last evaluated: 2024-07-01. Review status: criteria provided, single submitter. Criteria: CeGaT Center For Human Genetics Tuebingen Variant Classification Criteria Version 2. Collection method: clinical testing. Allele origin: germline. Affected: yes. Observed: 1 variant allele.
Comment: RTEL1: PM2, BP4

Sema4
Classification: Uncertain significance for Dyskeratosis congenita. Last evaluated: 2021-07-22. Review status: criteria provided, single submitter. Criteria: Sema4 Curation Guidelines. Collection method: curation. Allele origin: germline.
Comment: The RTEL1 c.2700G>A (p.M900I) variant has not been reported in the literature to our knowledge. This variant is not reported in the large and broad cohorts of Genome Aggregation Database (PMID: 32461654). This variant has not been reported in ClinVar. Functional studies have not been performed and in silico tool predictions of the variant's effect on protein function are inconclusive. The evidence is insufficient to meet ACMG/AMP criteria for classifying the variant as benign or pathogenic. Thus, the clinical significance of this variant is currently uncertain.